The following is an entry in ClinVar:

ClinVar aggregate classification (germline): Benign/Likely benign. Review status: criteria provided, multiple submitters, no conflicts (2 of 4 stars). 2 submissions from 2 submitters: Benign (1); Likely benign (1). Last evaluated 2025-10-02.

Allele frequency attached by ClinVar (database versions not stated): gnomAD exomes 0.00015 and 0.00051; ExAC 0.00063; gnomAD 0.00162 and 0.00179; TOPMed 0.00168; 1000 Genomes Project 0.00200; 1000 Genomes Project 30x 0.00234; ESP Exome Variant Server 0.00292.
gnomAD v4.1: 472 of 1,614,124 alleles (0.029%); highest among the groups gnomAD compares: African/African-American, 0.57%; 4 homozygotes.

Submissions (2):

Labcorp Genetics (formerly Invitae), Labcorp
Classification: Benign. Last evaluated: 2025-10-02. Review status: criteria provided, single submitter. Criteria: Invitae Variant Classification Sherloc (09022015). Collection method: clinical testing. Allele origin: germline.

Mayo Clinic Laboratories, Mayo Clinic
Classification: Likely benign. Last evaluated: 2025-02-17. Review status: criteria provided, single submitter. Criteria: ACMG Guidelines, 2015. Collection method: clinical testing. Allele origin: germline. Observed: 1 variant allele.
Comment: BA1, BP4, BP7

NM_001122764.3(PPOX):c.1248+16C>A

Gene: PPOX (protoporphyrinogen oxidase; plus strand). Cytogenetic location: 1q23.3.
Variant type: single nucleotide variant.
Coding change: c.1248+16C>A on transcript NM_001122764.3 (MANE Select); 16 bases into the intron after coding-DNA position 1248, C replaced by A.
Molecular consequence: intron variant.
Genome position (GRCh38, 1-based): chr1:161,170,785, C>A. VCF-style: chr1-161170785-C-A. GRCh37 (hg19) VCF-style: chr1-161140575-C-A.
Other names: p.?; c.762+16C>A (NM_001350130.2, NM_001350131.2, NM_001365401.1); c.1149+16C>A (NM_001350128.2); c.840+16C>A (NM_001350129.2, NM_001365400.1); c.1137+16C>A (NM_001365399.1); c.1248+16C>A (NM_000309.5, NM_001365398.1).
Identifiers: ClinVar variation 1592554 (VCV001592554.10), dbSNP rs75856547, ClinGen allele CA1207385.